The following is an entry in ClinVar:

ClinVar aggregate classification (germline): Likely benign. Review status: criteria provided, multiple submitters, no conflicts (2 of 4 stars). 3 submissions from 3 submitters: Likely benign (3). Last evaluated 2026-06-22.

Conditions:
RASopathy. Also called: Noonan spectrum disorder; rasopathies. Identifiers: Orphanet 536391, MedGen C5555857, MONDO:0021060.

Allele frequency attached by ClinVar (database versions not stated): gnomAD below 0.00001 and 0.00001; TOPMed below 0.00001; ExAC 0.00001; gnomAD exomes 0.00002.

Submissions (3):

Women's Health and Genetics/Laboratory Corporation of America, LabCorp
Classification: Likely benign. Last evaluated: 2026-06-22. Review status: criteria provided, single submitter. Criteria: LabCorp Variant Classification Summary - May 2015. Collection method: clinical testing. Allele origin: germline.

Labcorp Genetics (formerly Invitae), Labcorp
Classification: Likely benign for RASopathy. Last evaluated: 2025-09-07. Review status: criteria provided, single submitter. Criteria: Invitae Variant Classification Sherloc (09022015). Collection method: clinical testing. Allele origin: germline.

CeGaT Center for Human Genetics Tuebingen
Classification: Likely benign. Last evaluated: 2022-11-01. Review status: criteria provided, single submitter. Criteria: CeGaT Center For Human Genetics Tuebingen Variant Classification Criteria Version 2. Collection method: clinical testing. Allele origin: germline. Affected: yes. Observed: 1 variant allele.
Comment: MAP2K2: BP4, BP7

NM_030662.4(MAP2K2):c.315T>G (p.Leu105=)

Gene: MAP2K2 (mitogen-activated protein kinase kinase 2; minus strand). Cytogenetic location: 19p13.3.
Variant type: single nucleotide variant.
Coding change: c.315T>G on transcript NM_030662.4 (MANE Select); coding-DNA position 315, T replaced by G.
Protein change: p.Leu105=; no amino-acid change (leucine 105 retained).
Molecular consequence: synonymous variant.
Genome position (GRCh38, 1-based): chr19:4,110,644, A>C on the plus strand (T>G on the coding strand, the complement: MAP2K2 is on the minus strand). VCF-style: chr19-4110644-A-C. GRCh37 (hg19) VCF-style: chr19-4110642-A-C.
Identifiers: ClinVar variation 738007 (VCV000738007.32), dbSNP rs761590887, ClinGen allele CA9091026.
Genomic context (GRCh38, chr19:4,110,644, plus strand): 5'-GCATTCGTGCAGGACCTGCAGCTCGCGGATGATCTGGTTCCGGATGGCCGGCTTGATCTC[A>C]AGGTGGATCAGCTGCAAGGGGAGAGGGGCGAGACTGGCTTGGGGGGTGCCCGAAAACGGG-3'
Protein context (NP_109587.1, residues 95-115): GLIMARKLIH[Leu105=]EIKPAIRNQI